The following is an entry in ClinVar:

NM_000558.5(HBA1):c.345del (p.Ala116fs)

Genes: HBA1 (hemoglobin subunit alpha 1; plus strand), LOC106804613 (hemoglobin subunit alpha 1 recombination region; plus strand). Cytogenetic location: 16p13.3.
Variant type: Deletion.
Coding change: c.345del on transcript NM_000558.5 (MANE Select); coding-DNA position 345, one base deleted (C; older notation c.345delC).
Protein change: p.Ala116fs; shifts the reading frame from alanine 116.
Molecular consequence: frameshift variant.
Genome position (GRCh38, 1-based): chr16:177,327, C deleted; the last of 4 consecutive C bases (chr16:177,324-177,327); deleting any one gives the same sequence. VCF-style (leftmost placement, unchanged base first): chr16-177323-TC-T. GRCh37 (hg19) VCF-style: chr16-227322-TC-T.
Other names: short protein forms A116fs.
Identifiers: ClinVar variation 4814404 (VCV004814404.1).

ClinVar aggregate classification (germline): Likely pathogenic (1 of 4 stars; one submission).

Conditions:
alpha Thalassemia. Also called: Alpha thalassemia spectrum. Identifiers: Orphanet 846, MedGen C0002312, MONDO:0011399, OMIM 604131.

Submission:

Natera, Inc.
Classification: Likely pathogenic for Alpha thalassemia. Last evaluated: 2025-11-04. Review status: criteria provided, single submitter. Criteria: Natera Variant Classification Schema (03/2026). Collection method: clinical testing. Allele origin: germline.
Comment: The c.345delC variant in HBA1 is a frameshift variant predicted to shift the reading frame beginning at codon 116 and leads to a stop codon 18 codons downstream. This variant is expected to result in nonsense mediated decay, truncation, or a dysfunctional protein product. This variant is rare in the general population with a frequency below the threshold expected for the associated phenotype(s). Given the available evidence, this variant is classified as Likely Pathogenic.